The following is an entry in ClinVar:

ClinVar aggregate classification (germline): Benign/Likely benign. Review status: criteria provided, multiple submitters, no conflicts (2 of 4 stars). 3 submissions from 3 submitters: Benign (1); Likely benign (1). 1 of the submissions does not count toward it. Last evaluated 2026-02-01.

Conditions:
HIVEP2-related disorder. Also called: HIVEP2-related condition.
Intellectual developmental disorder, autosomal dominant 43. Also called: Intellectual disability, autosomal dominant 43. Identifiers: MedGen C4707429, MONDO:0014858, OMIM 616977.

Allele frequency attached by ClinVar (database versions not stated): ExAC 0.00238; gnomAD 0.00721 and 0.00746; TOPMed 0.00789; gnomAD exomes 0.00200 and 0.00079; ESP Exome Variant Server 0.00693; 1000 Genomes Project 30x 0.00999; 1000 Genomes Project 0.00958.

Submissions (3):

Labcorp Genetics (formerly Invitae), Labcorp
Classification: Benign. Last evaluated: 2026-02-01. Review status: criteria provided, single submitter. Criteria: Invitae Variant Classification Sherloc (09022015). Collection method: clinical testing. Allele origin: germline.

Fulgent Genetics
Classification: Likely benign for Intellectual developmental disorder, autosomal dominant 43. Last evaluated: 2022-05-17. Review status: criteria provided, single submitter. Criteria: ACMG Guidelines, 2015. Collection method: clinical testing. Allele origin: unknown.

PreventionGenetics, part of Exact Sciences
Classification: Benign for HIVEP2-related condition. Last evaluated: 2019-07-18. Review status: no assertion criteria provided. Collection method: clinical testing. Allele origin: germline. Not counted in ClinVar's aggregate classification.
Comment: This variant is classified as benign based on ACMG/AMP sequence variant interpretation guidelines (Richards et al. 2015 PMID: 25741868, with internal and published modifications).

NM_006734.4(HIVEP2):c.5397C>T (p.Tyr1799=)

Gene: HIVEP2 (HIVEP zinc finger 2; minus strand). Cytogenetic location: 6q24.2.
Variant type: single nucleotide variant.
Coding change: c.5397C>T on transcript NM_006734.4 (MANE Select); coding-DNA position 5397, C replaced by T.
Protein change: p.Tyr1799=; no amino-acid change (tyrosine 1799 retained).
Molecular consequence: synonymous variant.
Genome position (GRCh38, 1-based): chr6:142,764,920, G>A on the plus strand (C>T on the coding strand, the complement: HIVEP2 is on the minus strand). VCF-style: chr6-142764920-G-A. GRCh37 (hg19) VCF-style: chr6-143086057-G-A.
Identifiers: ClinVar variation 785190 (VCV000785190.12), dbSNP rs61729356, ClinGen allele CA4027886.